The following is an entry in ClinVar:

NM_000038.6(APC):c.234_235insCT (p.Ser79fs)

Gene: APC (APC regulator of Wnt signaling pathway; plus strand). Cytogenetic location: 5q22.2.
Variant type: Insertion.
Coding change: c.234_235insCT on transcript NM_000038.6 (MANE Select); coding-DNA positions 234 to 235, CT inserted.
Protein change: p.Ser79fs; shifts the reading frame from serine 79.
Molecular consequence: frameshift variant. On other transcripts: 5 prime UTR variant (4), non-coding transcript variant (2).
Genome position: GRCh38 VCF-style: chr5-112767201-A-ATC. GRCh37 (hg19) VCF-style: chr5-112102898-A-ATC.
Other names: c.234_235insCT, p.Ser79fs (NM_001127510.3, NM_001354895.2, NM_001354896.2 and 16 more transcripts); c.264_265insCT, p.Ser89fs (NM_001127511.3, NM_001354897.2, NM_001354902.2 and 1 more transcripts); c.159_160insCT, p.Ser54fs (NM_001354898.2, NM_001354904.2, NM_001407451.1); c.57_58insCT, p.Ser20fs (NM_001354900.2, NM_001354901.2, NM_001354905.2 and 1 more transcripts); c.-802_-801insCT (NM_001354906.2, NM_001407470.1, NM_001407471.1 and 1 more transcripts); short protein forms S20fs, S54fs, S79fs, S89fs.
Identifiers: ClinVar variation 2583469 (VCV002583469.1), dbSNP rs2532290153, ClinGen allele CA2582341252.
Genomic context (GRCh38, chr5:112,767,201, plus strand): 5'-ACTGCTTAAAGCAATTGTTGTATAAAAACTTGTTTCTATTTTATTTAGAGCTTAACTTAG[A>ATC]TAGCAGTAATTTCCCTGGAGTAAAACTGCGGTCAAAAATGTCCCTCCGTTCTTATGGAAG-3'

ClinVar aggregate classification (germline): Pathogenic (1 of 4 stars; one submission).

Conditions:
Familial adenomatous polyposis 1 (FAP1). Also called: POLYPOSIS, ADENOMATOUS INTESTINAL; FAMILIAL ADENOMATOUS POLYPOSIS 1, ATTENUATED. Identifiers: MedGen C2713442, MONDO:0021056, OMIM 175100. Disease mechanism: loss of function.

Submission:

Myriad Genetics, Inc.
Classification: Pathogenic for Familial adenomatous polyposis 1. Last evaluated: 2023-04-25. Review status: criteria provided, single submitter. Criteria: Myriad Autosomal Dominant, Autosomal Recessive and X-Linked Classification Criteria (2023). Collection method: clinical testing. Allele origin: unknown.
Comment: This variant is considered pathogenic. This variant creates a frameshift predicted to result in premature protein truncation.